The following is an entry in ClinVar:

ClinVar aggregate classification (germline): Uncertain significance (1 of 4 stars; one submission).

Submission:

Labcorp Genetics (formerly Invitae), Labcorp
Classification: Uncertain significance. Last evaluated: 2021-11-05. Review status: criteria provided, single submitter. Criteria: Invitae Variant Classification Sherloc (09022015). Collection method: clinical testing. Allele origin: germline.
Comment: This sequence change replaces proline, which is neutral and non-polar, with threonine, which is neutral and polar, at codon 1307 of the COL11A2 protein (p.Pro1307Thr). This variant is not present in population databases (gnomAD no frequency). This variant has not been reported in the literature in individuals affected with COL11A2-related conditions. Advanced modeling of protein sequence and biophysical properties (such as structural, functional, and spatial information, amino acid conservation, physicochemical variation, residue mobility, and thermodynamic stability) performed at Invitae indicates that this missense variant is not expected to disrupt COL11A2 protein function. In summary, the available evidence is currently insufficient to determine the role of this variant in disease. Therefore, it has been classified as a Variant of Uncertain Significance.

NM_080680.3(COL11A2):c.3919C>A (p.Pro1307Thr)

Gene: COL11A2 (collagen type XI alpha 2 chain; minus strand). Cytogenetic location: 6p21.32.
Variant type: single nucleotide variant.
Coding change: c.3919C>A on transcript NM_080680.3 (MANE Select); coding-DNA position 3919, C replaced by A.
Protein change: p.Pro1307Thr; replaces proline 1307 with threonine.
Molecular consequence: missense variant.
Genome position (GRCh38, 1-based): chr6:33,168,560, G>T on the plus strand (C>A on the coding strand, the complement: COL11A2 is on the minus strand). VCF-style: chr6-33168560-G-T. GRCh37 (hg19) VCF-style: chr6-33136337-G-T.
Other names: c.3598C>A, p.Pro1200Thr (NM_080679.3); c.3661C>A, p.Pro1221Thr (NM_080681.3); short protein forms P1200T, P1307T, P1221T.
Identifiers: ClinVar variation 1426059 (VCV001426059.3), dbSNP rs2150530638, ClinGen allele CA363624715.